The following is an entry in ClinVar:

ClinVar aggregate classification (germline): Likely benign (0 of 4 stars; one submission).

Conditions:
THPO-related disorder. Also called: THPO-related condition.

Allele frequency attached by ClinVar (database versions not stated): gnomAD 0.00011; TOPMed 0.00011; 1000 Genomes Project 30x 0.00016; gnomAD exomes 0.00018.
gnomAD v4.1: 163 of 985,524 alleles (0.017%); highest among the groups gnomAD compares: South Asian, 0.019%; no homozygotes.

Submission:

PreventionGenetics, part of Exact Sciences
Classification: Likely benign for THPO-related condition. Last evaluated: 2023-07-21. Review status: no assertion criteria provided. Collection method: clinical testing. Allele origin: germline.
Comment: This variant is classified as likely benign based on ACMG/AMP sequence variant interpretation guidelines (Richards et al. 2015 PMID: 25741868, with internal and published modifications).

NM_000460.4(THPO):c.-223G>A

Gene: THPO (thrombopoietin; minus strand). Cytogenetic location: 3q27.1.
Variant type: single nucleotide variant.
Coding change: c.-223G>A on transcript NM_000460.4 (MANE Select); 223 bases upstream of the start codon, G replaced by A.
Molecular consequence: 5 prime UTR variant. On other transcripts: synonymous variant (1), intron variant (1).
Genome position (GRCh38, 1-based): chr3:184,378,152, C>T on the plus strand (G>A on the coding strand, the complement: THPO is on the minus strand). VCF-style: chr3-184378152-C-T. GRCh37 (hg19) VCF-style: chr3-184095940-C-T.
Other names: c.-223G>A (NM_001177597.2, NM_001177598.2, NM_001289997.1 and 4 more transcripts); c.198G>A, p.Pro66= (NM_001290003.1); c.-146+1439G>A (NM_001290028.1).
Identifiers: ClinVar variation 3036880 (VCV003036880.2), dbSNP rs1180181144, ClinGen allele CA548417234.
Genomic context (GRCh38, chr3:184,378,152, plus strand): 5'-CAGGACCCAAGTGCACAGCAGGCAGCCCTCTGGGGAGCAGATGGGTAGGAAGACATGTGG[C>T]GGTGGGGCACAGCCCCTCCACAGCAGCAGGTCATACGCCTGCCTGGGCCACTTCTGCCCA-3'